The following is an entry in ClinVar:

NM_001370259.2(MEN1):c.984C>G (p.His328Gln)

Gene: MEN1 (menin 1; minus strand). Cytogenetic location: 11q13.1.
Variant type: single nucleotide variant.
Coding change: c.984C>G on transcript NM_001370259.2 (MANE Select); coding-DNA position 984, C replaced by G.
Protein change: p.His328Gln; replaces histidine 328 with glutamine.
Molecular consequence: missense variant.
Genome position (GRCh38, 1-based): chr11:64,806,297, G>C on the plus strand (C>G on the coding strand, the complement: MEN1 is on the minus strand). VCF-style: chr11-64806297-G-C. GRCh37 (hg19) VCF-style: chr11-64573769-G-C.
Other names: c.999C>G, p.His333Gln (NM_000244.4, NM_001407145.1, NM_001407150.1 and 5 more transcripts); c.984C>G, p.His328Gln (NM_001370251.2, NM_001370260.2, NM_001370261.2 and 7 more transcripts); c.879C>G, p.His293Gln (NM_001370262.2, NM_001370263.2, NM_001407148.1 and 2 more transcripts); short protein forms H293Q, H328Q, H333Q.
Identifiers: ClinVar variation 1768375 (VCV001768375.3), dbSNP rs757323408, ClinGen allele CA381183308.
Genomic context (GRCh38, chr11:64,806,297, plus strand): 5'-GATGACAGTGGCCGTGTCCGCCCAGGCCTGCAGGGCTTCCCGCACATTGCGGTTGCGACA[G>C]TGGTAGCCAGCCAGGTACATGTAGGGGTAGATGTGTTCATCCCGATAGTAGGTCTTGGCT-3'
Protein context (NP_001357188.2, residues 318-338): IYPYMYLAGY[His328Gln]CRNRNVREAL

ClinVar aggregate classification (germline): Uncertain significance (1 of 4 stars; one submission).

Conditions:
Hereditary cancer-predisposing syndrome. Also called: Hereditary Cancer Syndrome; Hereditary neoplastic syndrome; Neoplastic Syndromes, Hereditary; Tumor predisposition. Identifiers: Orphanet 140162, MedGen C0027672, MeSH D009386, MONDO:0015356.

Submission:

Ambry Genetics
Classification: Uncertain significance for Hereditary cancer-predisposing syndrome. Last evaluated: 2026-08-07. Review status: criteria provided, single submitter. Criteria: Ambry Variant Classification Scheme 2023. Collection method: clinical testing. Allele origin: germline.
Comment: The p.H328Q variant (also known as c.984C>G), located in coding exon 6 of the MEN1 gene, results from a C to G substitution at nucleotide position 984. The histidine at codon 328 is replaced by glutamine, an amino acid with highly similar properties. This amino acid position is highly conserved in available vertebrate species. In addition, this alteration is predicted to be deleterious by in silico analysis. Based on the available evidence, the clinical significance of this variant remains unclear.